The following is an entry in ClinVar:

NM_001379291.1(BRD4):c.538G>A (p.Gly180Arg)

Gene: BRD4 (bromodomain containing 4; minus strand). Cytogenetic location: 19p13.12.
Variant type: single nucleotide variant.
Coding change: c.538G>A on transcript NM_001379291.1 (MANE Select); coding-DNA position 538, G replaced by A.
Protein change: p.Gly180Arg; replaces glycine 180 with arginine.
Molecular consequence: missense variant.
Genome position (GRCh38, 1-based): chr19:15,267,437, C>T on the plus strand (G>A on the coding strand, the complement: BRD4 is on the minus strand). VCF-style: chr19-15267437-C-T. GRCh37 (hg19) VCF-style: chr19-15378248-C-T.
Other names: c.538G>A, p.Gly180Arg (NM_001330384.2, NM_001379292.1, NM_014299.3 and 1 more transcripts); short protein forms G180R.
Identifiers: ClinVar variation 3368549 (VCV003368549.2).

ClinVar aggregate classification (germline): Uncertain significance (1 of 4 stars; one submission).

Submission:

GeneDx
Classification: Uncertain significance. Last evaluated: 2026-03-04. Review status: criteria provided, single submitter. Criteria: GeneDx Variant Classification Process June 2021. Collection method: clinical testing. Allele origin: germline.
Comment: Not observed at significant frequency in large population cohorts (gnomAD); In silico analysis supports that this missense variant has a deleterious effect on protein structure/function; Has not been previously published as pathogenic or benign to our knowledge